The following is an entry in ClinVar:

NC_000010.11:g.(?_18518326)_(18539734_?)dup

Gene: CACNB2 (calcium voltage-gated channel auxiliary subunit beta 2; plus strand). Cytogenetic location: 10p12.31.
Variant type: Duplication.
Identifiers: ClinVar variation 833309 (VCV000833309.1).

ClinVar aggregate classification (germline): Uncertain significance (1 of 4 stars; one submission).

Conditions:
Brugada syndrome 4 (BRGDA4). Identifiers: Orphanet 130, MedGen C2678477, MONDO:0012743, OMIM 611876.

Submission:

Labcorp Genetics (formerly Invitae), Labcorp
Classification: Uncertain significance for Brugada syndrome 4. Last evaluated: 2019-02-19. Review status: criteria provided, single submitter. Criteria: Invitae Variant Classification Sherloc (09022015). Collection method: clinical testing. Allele origin: germline.
Comment: This variant results in a copy number gain of the genomic region encompassing exons 7-13 of the CACNB2 gene. The 5' boundary is likely confined to intron 6. The 3' end of this event is unknown as it extends beyond the assayed region for this gene and therefore may encompass additional genes. As the precise location of this event is unknown, it may be in tandem or it may be located elsewhere in the genome. This variant has not been reported in the literature in individuals with CACNB2-related conditions. In summary, the available evidence is currently insufficient to determine the role of this variant in disease. Therefore, it has been classified as a Variant of Uncertain Significance.